The following is an entry in ClinVar:

ClinVar aggregate classification (germline): Uncertain significance (1 of 4 stars; one submission).

Submission:

Labcorp Genetics (formerly Invitae), Labcorp
Classification: Uncertain significance. Last evaluated: 2023-05-13. Review status: criteria provided, single submitter. Criteria: Invitae Variant Classification Sherloc (09022015). Collection method: clinical testing. Allele origin: germline.
Comment: In summary, the available evidence is currently insufficient to determine the role of this variant in disease. Therefore, it has been classified as a Variant of Uncertain Significance. An algorithm developed to predict the effect of missense changes on protein structure and function (PolyPhen-2) suggests that this variant is likely to be disruptive. This variant has not been reported in the literature in individuals affected with NLRP1-related conditions. This variant is not present in population databases (gnomAD no frequency). This sequence change replaces tyrosine, which is neutral and polar, with cysteine, which is neutral and slightly polar, at codon 366 of the NLRP1 protein (p.Tyr366Cys).

NM_033004.4(NLRP1):c.1097A>G (p.Tyr366Cys)

Gene: NLRP1 (NLR family pyrin domain containing 1; minus strand). Cytogenetic location: 17p13.2.
Variant type: single nucleotide variant.
Coding change: c.1097A>G on transcript NM_033004.4 (MANE Select); coding-DNA position 1097, A replaced by G.
Protein change: p.Tyr366Cys; replaces tyrosine 366 with cysteine.
Molecular consequence: missense variant.
Genome position (GRCh38, 1-based): chr17:5,559,599, T>C on the plus strand (A>G on the coding strand, the complement: NLRP1 is on the minus strand). VCF-style: chr17-5559599-T-C. GRCh37 (hg19) VCF-style: chr17-5462919-T-C.
Other names: c.1097A>G, p.Tyr366Cys (NM_001033053.3, NM_014922.5, NM_033006.4 and 1 more transcripts); short protein forms Y366C.
Identifiers: ClinVar variation 2807025 (VCV002807025.3), dbSNP rs2507941072, ClinGen allele CA397386977.